The following is an entry in ClinVar:

ClinVar aggregate classification (germline): Pathogenic (1 of 4 stars; one submission).

Submission:

GeneDx
Classification: Pathogenic. Last evaluated: 2016-03-11. Review status: criteria provided, single submitter. Criteria: GeneDx Variant Classification (06012015). Collection method: clinical testing. Allele origin: germline. Affected: yes.
Comment: The W645X pathogenic variant in the RPS6KA3 gene has been reported previously in an individual with Coffin-Lowry syndrome (Jacquot et al., 1998). This variant is predicted to cause loss of normal protein function either through protein truncation or nonsense-mediated mRNA decay. The W645X variant was not observed in approximately 6,500 individuals of European and African American ancestry in the NHLBI Exome Sequencing Project, indicating it is not a common benign variant in these populations. We interpret W645X as a pathogenic variant.

NM_004586.3(RPS6KA3):c.1934G>A (p.Trp645Ter)

Gene: RPS6KA3 (ribosomal protein S6 kinase A3; minus strand). Cytogenetic location: Xp22.12.
Variant type: single nucleotide variant.
Coding change: c.1934G>A on transcript NM_004586.3 (MANE Select); coding-DNA position 1934, G replaced by A.
Protein change: p.Trp645Ter; replaces tryptophan 645 with a stop codon.
Molecular consequence: nonsense.
Genome position (GRCh38, 1-based): chrX:20,161,669, C>T on the plus strand (G>A on the coding strand, the complement: RPS6KA3 is on the minus strand). VCF-style: chrX-20161669-C-T. GRCh37 (hg19) VCF-style: chrX-20179787-C-T.
Other names: short protein forms W645*.
Identifiers: ClinVar variation 280023 (VCV000280023.2), dbSNP rs886041328, ClinGen allele CA10603612.
Genomic context (GRCh38, chrX:20,161,669, plus strand): 5'-TTTCTCAAAATCTTATAATAGGAAGTGATACTTACCTTTGCTGTGTCTGAAACAGAATTC[C>T]AGTAACCACCACTGAGTGAGAATTTTCCGCTACCTATTCGTGCCAATATTTCCTCTGGTG-3'